The following is an entry in ClinVar:

NM_001267550.2(TTN):c.66274C>T (p.Leu22092Phe)

Genes: TTN (titin; minus strand), TTN-AS1 (TTN antisense RNA 1; plus strand). Cytogenetic location: 2q31.2.
Variant type: single nucleotide variant.
Coding change: c.66274C>T on transcript NM_001267550.2 (MANE Select); coding-DNA position 66274, C replaced by T.
Protein change: p.Leu22092Phe; replaces leucine 22092 with phenylalanine.
Molecular consequence: missense variant.
Genome position (GRCh38, 1-based): chr2:178,582,095, G>A on the plus strand (C>T on the coding strand, the complement: TTN is on the minus strand). VCF-style: chr2-178582095-G-A. GRCh37 (hg19) VCF-style: chr2-179446822-G-A.
Other names: c.61351C>T, p.Leu20451Phe (NM_001256850.1); c.39079C>T, p.Leu13027Phe (NM_003319.4); c.58570C>T, p.Leu19524Phe (NM_133378.4); c.39454C>T, p.Leu13152Phe (NM_133432.3); c.39655C>T, p.Leu13219Phe (NM_133437.4); short protein forms L13027F, L13152F, L13219F, L19524F, L20451F, L22092F.
Identifiers: ClinVar variation 4536870 (VCV004536870.1).

ClinVar aggregate classification (germline): Uncertain significance (1 of 4 stars; one submission).

gnomAD v4.1: 11 of 1,612,992 alleles (0.00068%); highest among the groups gnomAD compares: Admixed American, 0.013%; no homozygotes.

Submission:

Women's Health and Genetics/Laboratory Corporation of America, LabCorp
Classification: Uncertain significance. Last evaluated: 2025-11-11. Review status: criteria provided, single submitter. Criteria: LabCorp Variant Classification Summary - May 2015. Collection method: clinical testing. Allele origin: germline.
Comment: Variant summary: TTN c.58570C>T (p.Leu19524Phe) results in a non-conservative amino acid change in the encoded protein sequence. Algorithms developed to predict the effect of missense changes on protein structure and function are either unavailable or do not agree on the potential impact of this missense change. The variant allele was found at a frequency of 2.8e-05 in 247880 control chromosomes. The available data on variant occurrences in the general population are insufficient to allow any conclusion about variant significance. To our knowledge, no occurrence of c.58570C>T in individuals affected with TTN-related conditions and no experimental evidence demonstrating its impact on protein function have been reported. No submitters have cited clinical-significance assessments for this variant to ClinVar. Based on the evidence outlined above, the variant was classified as uncertain significance.